The following is an entry in ClinVar:

ClinVar aggregate classification (germline): Benign/Likely benign. Review status: criteria provided, multiple submitters, no conflicts (2 of 4 stars). 7 submissions from 7 submitters: Benign (5); Likely benign (2). Last evaluated 2026-08-01.

Conditions:
Arthrogryposis, distal, type 1B. Identifiers: Orphanet 1146, MedGen C3280526, MONDO:0013698, OMIM 614335.

Allele frequency attached by ClinVar (database versions not stated): 1000 Genomes Project 0.00439; 1000 Genomes Project 30x 0.00453; gnomAD 0.00923 and 0.00935; TOPMed 0.00977; ExAC 0.00985; gnomAD exomes 0.01024 and 0.01175; ESP Exome Variant Server 0.01176.
gnomAD v4.1: 18,773 of 1,613,710 alleles (1.2%); highest among the groups gnomAD compares: Middle Eastern, 3.8%; 155 homozygotes.

Submissions (7):

CeGaT Center for Human Genetics Tuebingen
Classification: Benign. Last evaluated: 2026-08-01. Review status: criteria provided, single submitter. Criteria: CeGaT Center For Human Genetics Tuebingen Variant Classification Criteria Version 2. Collection method: clinical testing. Allele origin: germline. Affected: yes. Observed: 12 variant alleles.
Comment: MYBPC1: BS1, BS2

Mayo Clinic Laboratories, Mayo Clinic
Classification: Benign. Last evaluated: 2023-02-20. Review status: criteria provided, single submitter. Criteria: ACMG Guidelines, 2015. Collection method: clinical testing. Allele origin: germline. Observed: 7 variant alleles.

GeneDx
Classification: Likely benign. Last evaluated: 2020-11-30. Review status: criteria provided, single submitter. Criteria: GeneDx Variant Classification Process June 2021. Collection method: clinical testing. Allele origin: germline. Affected: yes.

Labcorp Genetics (formerly Invitae), Labcorp
Classification: Benign. Last evaluated: 2019-12-31. Review status: criteria provided, single submitter. Criteria: Invitae Variant Classification Sherloc (09022015). Collection method: clinical testing. Allele origin: germline.

Illumina Laboratory Services, Illumina
Classification: Benign for Arthrogryposis, distal, type 1B. Last evaluated: 2018-01-12. Review status: criteria provided, single submitter. Criteria: ICSL Variant Classification Criteria 13 December 2019. Collection method: clinical testing. Allele origin: germline.
Comment: This variant was observed in the ICSL laboratory as part of a predisposition screen in an ostensibly healthy population. It had not been previously curated by ICSL or reported in the Human Gene Mutation Database (HGMD: prior to June 1st, 2018), and was therefore a candidate for classification through an automated scoring system. Utilizing variant allele frequency, disease prevalence and penetrance estimates, and inheritance mode, an automated score was calculated to assess if this variant is too frequent to cause the disease. Based on the score and internal cut-off values, a variant classified as benign is not then subjected to further curation. The score for this variant resulted in a classification of benign for this disease.

Breakthrough Genomics
Classification: Likely benign. Review status: criteria provided, single submitter. Criteria: ACMG Guidelines, 2015. Collection method: not provided. Allele origin: germline. Inheritance: Autosomal recessive inheritance. Affected: yes.

PreventionGenetics, part of Exact Sciences
Classification: Benign. Review status: criteria provided, single submitter. Criteria: ACMG Guidelines, 2015. Collection method: clinical testing. Allele origin: germline.

NM_002465.4(MYBPC1):c.26-9C>T

Gene: MYBPC1 (myosin binding protein C1; plus strand). Cytogenetic location: 12q23.2.
Variant type: single nucleotide variant.
Coding change: c.26-9C>T on transcript NM_002465.4 (MANE Select); 9 bases into the intron before coding-DNA position 26, C replaced by T.
Molecular consequence: intron variant.
Genome position (GRCh38, 1-based): chr12:101,614,487, C>T. VCF-style: chr12-101614487-C-T. GRCh37 (hg19) VCF-style: chr12-102008265-C-T.
Other names: p.?; c.26-9C>T (NM_206819.4, NM_001404675.1, NM_001254718.3 and 6 more transcripts); c.26-2715C>T (NM_001254720.3); c.26-12385C>T (NM_001254723.3); c.26-14947C>T (NM_001254722.3, NM_001404680.1, NM_001404679.1 and 2 more transcripts).
Identifiers: ClinVar variation 258662 (VCV000258662.31), dbSNP rs181619118, ClinGen allele CA6744328.